The following is an entry in ClinVar:

NM_003106.4(SOX2):c.834C>T (p.Leu278=)

Genes: SOX2 (SRY-box transcription factor 2; plus strand), SOX2-OT (SOX2 overlapping transcript; plus strand). Cytogenetic location: 3q26.33.
Variant type: single nucleotide variant.
Coding change: c.834C>T on transcript NM_003106.4 (MANE Select); coding-DNA position 834, C replaced by T.
Protein change: p.Leu278=; no amino-acid change (leucine 278 retained).
Molecular consequence: synonymous variant.
Genome position (GRCh38, 1-based): chr3:181,713,194, C>T. VCF-style: chr3-181713194-C-T. GRCh37 (hg19) VCF-style: chr3-181430982-C-T.
Other names: p.Leu278=.
Identifiers: ClinVar variation 94105 (VCV000094105.44), dbSNP rs144530684, ClinGen allele CA147626.

ClinVar aggregate classification (germline): Benign/Likely benign. Review status: criteria provided, multiple submitters, no conflicts (2 of 4 stars). 9 submissions from 9 submitters: Benign (4); Likely benign (3). 2 of the submissions do not count toward it. Last evaluated 2026-02-02.

Conditions:
Anophthalmia/microphthalmia-esophageal atresia syndrome (MCOPS3). Also called: MICROPHTHALMIA AND ESOPHAGEAL ATRESIA SYNDROME; AEG SYNDROME; SOX2 Disorder. Identifiers: Orphanet 77298, MedGen C1859773, MONDO:0008799, OMIM 206900.

Allele frequency attached by ClinVar (database versions not stated): ESP Exome Variant Server 0.00101; TOPMed 0.00147; 1000 Genomes Project 30x 0.00156; gnomAD exomes 0.00166 and 0.00177; 1000 Genomes Project 0.00180; ExAC 0.00182.
gnomAD v4.1: 2,852 of 1,613,164 alleles (0.18%); highest among the groups gnomAD compares: Middle Eastern, 0.31%; 4 homozygotes.

Submissions (9):

Labcorp Genetics (formerly Invitae), Labcorp
Classification: Benign for Anophthalmia/microphthalmia-esophageal atresia syndrome. Last evaluated: 2026-02-02. Review status: criteria provided, single submitter. Criteria: Invitae Variant Classification Sherloc (09022015). Collection method: clinical testing. Allele origin: germline.

CeGaT Center for Human Genetics Tuebingen
Classification: Likely benign. Last evaluated: 2025-11-01. Review status: criteria provided, single submitter. Criteria: CeGaT Center For Human Genetics Tuebingen Variant Classification Criteria Version 2. Collection method: clinical testing. Allele origin: germline. Affected: yes. Observed: 6 variant alleles.
Comment: SOX2: BP4, BP7

Blueprint Genetics
Classification: Likely benign. Last evaluated: 2024-11-26. Review status: criteria provided, single submitter. Criteria: ACMG Guidelines, 2015. Collection method: clinical testing. Allele origin: germline.

Mayo Clinic Laboratories, Mayo Clinic
Classification: Benign. Last evaluated: 2024-11-12. Review status: criteria provided, single submitter. Criteria: ACMG Guidelines, 2015. Collection method: clinical testing. Allele origin: germline. Observed: 2 variant alleles.
Comment: BS1, BS2, BP4, BP7

GeneDx
Classification: Likely benign. Last evaluated: 2020-12-07. Review status: criteria provided, single submitter. Criteria: GeneDx Variant Classification Process June 2021. Collection method: clinical testing. Allele origin: germline. Affected: yes.

Eurofins Ntd Llc (ga)
Classification: Benign. Last evaluated: 2013-11-20. Review status: criteria provided, single submitter. Criteria: EGL Classification Definitions 2015. Collection method: clinical testing. Allele origin: germline. Observed: 1 variant allele, 1 heterozygote.

PreventionGenetics, part of Exact Sciences
Classification: Benign. Review status: criteria provided, single submitter. Criteria: ACMG Guidelines, 2015. Collection method: clinical testing. Allele origin: germline.

Clinical Genetics DNA and cytogenetics Diagnostics Lab, Erasmus MC, Erasmus Medical Center
Classification: Likely benign. Review status: no assertion criteria provided. Collection method: clinical testing. Allele origin: germline. Affected: yes. Study: VKGL Data-share Consensus. Not counted in ClinVar's aggregate classification.

Clinical Genetics, Academic Medical Center
Classification: Benign. Review status: no assertion criteria provided. Collection method: clinical testing. Allele origin: germline. Affected: yes. Study: VKGL Data-share Consensus. Not counted in ClinVar's aggregate classification.

Literature cited by the submitters: PubMed 16932809 (cited by Mayo Clinic Laboratories, Mayo Clinic).